The following is an entry in ClinVar:

ClinVar aggregate classification (germline): Uncertain significance (1 of 4 stars; one submission).

gnomAD v4.1: 1 of 1,584,100 alleles (0.000063%); highest among the groups gnomAD compares: African/African-American, 0.0014%; no homozygotes.

Submission:

GeneDx
Classification: Uncertain significance. Last evaluated: 2026-10-05. Review status: criteria provided, single submitter. Criteria: GeneDx Variant Classification Process June 2021. Collection method: clinical testing. Allele origin: germline.
Comment: Not observed at significant frequency in large population cohorts (gnomAD); In silico analysis supports that this missense variant has a deleterious effect on protein structure/function; Has not been previously published as pathogenic or benign to our knowledge

NM_170606.3(KMT2C):c.4630C>G (p.Pro1544Ala)

Gene: KMT2C (lysine methyltransferase 2C; minus strand). Cytogenetic location: 7q36.1.
Variant type: single nucleotide variant.
Coding change: c.4630C>G on transcript NM_170606.3 (MANE Select); coding-DNA position 4630, C replaced by G.
Protein change: p.Pro1544Ala; replaces proline 1544 with alanine.
Molecular consequence: missense variant.
Genome position (GRCh38, 1-based): chr7:152,194,039, G>C on the plus strand (C>G on the coding strand, the complement: KMT2C is on the minus strand). VCF-style: chr7-152194039-G-C. GRCh37 (hg19) VCF-style: chr7-151891124-G-C.
Other names: short protein forms P1544A.
Identifiers: ClinVar variation 4530802 (VCV004530802.3).